The following is an entry in ClinVar:

NM_000263.4(NAGLU):c.977A>T (p.Tyr326Phe)

Gene: NAGLU (N-acetyl-alpha-glucosaminidase; plus strand). Cytogenetic location: 17q21.2.
Variant type: single nucleotide variant.
Coding change: c.977A>T on transcript NM_000263.4 (MANE Select); coding-DNA position 977, A replaced by T.
Protein change: p.Tyr326Phe; replaces tyrosine 326 with phenylalanine.
Molecular consequence: missense variant.
Genome position (GRCh38, 1-based): chr17:42,541,162, A>T. VCF-style: chr17-42541162-A-T. GRCh37 (hg19) VCF-style: chr17-40693180-A-T.
Other names: short protein forms Y326F.
Identifiers: ClinVar variation 4790782 (VCV004790782.1).

ClinVar aggregate classification (germline): Uncertain significance (1 of 4 stars; one submission).

Conditions:
Mucopolysaccharidosis, MPS-III-B (MPS3B). Also called: MPS IIIB (Sanfilippo Syndrome Type B); N-ACETYL-ALPHA-D-GLUCOSAMINIDASE DEFICIENCY; NAGLU DEFICIENCY; SANFILIPPO SYNDROME B; MPS III B; Mucopolysaccharidosis type IIIB (Sanfilippo B). Identifiers: Orphanet 79270, MedGen C0086648, MONDO:0009656, OMIM 252920.
Charcot-Marie-Tooth disease axonal type 2V. Also called: CHARCOT-MARIE-TOOTH NEUROPATHY, TYPE 2V; CHARCOT-MARIE-TOOTH DISEASE, AXONAL, AUTOSOMAL DOMINANT, TYPE 2V. Identifiers: Orphanet 447964, MedGen C5569050, MONDO:0014665, OMIM 616491.

Submission:

Labcorp Genetics (formerly Invitae), Labcorp
Classification: Uncertain significance for Charcot-Marie-Tooth disease axonal type 2V; Mucopolysaccharidosis, MPS-III-B. Last evaluated: 2025-12-15. Review status: criteria provided, single submitter. Criteria: Invitae Variant Classification Sherloc (09022015). Collection method: clinical testing. Allele origin: germline.
Comment: This sequence change replaces tyrosine, which is neutral and polar, with phenylalanine, which is neutral and non-polar, at codon 326 of the NAGLU protein (p.Tyr326Phe). This variant is not present in population databases (gnomAD no frequency). This variant has not been reported in the literature in individuals affected with NAGLU-related conditions. Invitae Evidence Modeling of protein sequence and biophysical properties (such as structural, functional, and spatial information, amino acid conservation, physicochemical variation, residue mobility, and thermodynamic stability) indicates that this missense variant is not expected to disrupt NAGLU protein function with a negative predictive value of 80%. In summary, the available evidence is currently insufficient to determine the role of this variant in disease. Therefore, it has been classified as a Variant of Uncertain Significance.